The following is an entry in ClinVar:

ClinVar aggregate classification (germline): Uncertain significance. Review status: criteria provided, multiple submitters, no conflicts (2 of 4 stars). 3 submissions from 3 submitters: Uncertain significance (3). Last evaluated 2025-08-06.

Conditions:
Gastrointestinal stromal tumor. Also called: Gastrointestinal stroma tumor; Gastrointestinal stromal tumor, somatic. Identifiers: Orphanet 44890, MedGen C0238198, MeSH D046152, MONDO:0011719, OMIM 606764, HP:0100723.
Pheochromocytoma/paraganglioma syndrome 3. Also called: SDHC-Related Hereditary Paraganglioma-Pheochromocytoma Syndrome (Paragangliomas 3); Paragangliomas 3; GLOMUS TUMORS, FAMILIAL, 3; SDHC-Related Hereditary Paraganglioma-Pheochromocytoma Syndrome. Identifiers: Orphanet 29072, MedGen C1854336, MONDO:0011544, OMIM 605373.
Hereditary cancer-predisposing syndrome. Also called: Tumor predisposition; Hereditary neoplastic syndrome; Hereditary Cancer Syndrome; Neoplastic Syndromes, Hereditary. Identifiers: Orphanet 140162, MedGen C0027672, MeSH D009386, MONDO:0015356.

Submissions (3):

GeneDx
Classification: Uncertain significance. Last evaluated: 2025-08-06. Review status: criteria provided, single submitter. Criteria: GeneDx Variant Classification Process June 2021. Collection method: clinical testing. Allele origin: germline. Affected: yes.
Comment: Not observed at significant frequency in large population cohorts (gnomAD); In silico analysis supports that this missense variant has a deleterious effect on protein structure/function; Has not been previously published as pathogenic or benign to our knowledge

Ambry Genetics
Classification: Uncertain significance for Hereditary cancer-predisposing syndrome. Last evaluated: 2025-07-18. Review status: criteria provided, single submitter. Criteria: Ambry Variant Classification Scheme 2023. Collection method: clinical testing. Allele origin: germline.
Comment: The p.I145T variant (also known as c.434T>C), located in coding exon 6 of the SDHC gene, results from a T to C substitution at nucleotide position 434. The isoleucine at codon 145 is replaced by threonine, an amino acid with similar properties. This amino acid position is well conserved in available vertebrate species. In addition, the in silico prediction for this alteration is inconclusive. Since supporting evidence is limited at this time, the clinical significance of this alteration remains unclear.

Labcorp Genetics (formerly Invitae), Labcorp
Classification: Uncertain significance for Pheochromocytoma/paraganglioma syndrome 3; Gastrointestinal stromal tumor. Last evaluated: 2024-06-26. Review status: criteria provided, single submitter. Criteria: Invitae Variant Classification Sherloc (09022015). Collection method: clinical testing. Allele origin: germline.
Comment: This sequence change replaces isoleucine, which is neutral and non-polar, with threonine, which is neutral and polar, at codon 145 of the SDHC protein (p.Ile145Thr). This variant is not present in population databases (gnomAD no frequency). This variant has not been reported in the literature in individuals affected with SDHC-related conditions. ClinVar contains an entry for this variant (Variation ID: 486432). Algorithms developed to predict the effect of missense changes on protein structure and function output the following: SIFT: "Not Available"; PolyPhen-2: "Benign"; Align-GVGD: "Not Available". The threonine amino acid residue is found in multiple mammalian species, which suggests that this missense change does not adversely affect protein function. In summary, the available evidence is currently insufficient to determine the role of this variant in disease. Therefore, it has been classified as a Variant of Uncertain Significance.

NM_003001.5(SDHC):c.434T>C (p.Ile145Thr)

Gene: SDHC (succinate dehydrogenase complex subunit C; plus strand). Cytogenetic location: 1q23.3.
Variant type: single nucleotide variant.
Coding change: c.434T>C on transcript NM_003001.5 (MANE Select); coding-DNA position 434, T replaced by C.
Protein change: p.Ile145Thr; replaces isoleucine 145 with threonine.
Molecular consequence: missense variant. On other transcripts: synonymous variant (3), non-coding transcript variant (1).
Genome position (GRCh38, 1-based): chr1:161,362,357, T>C. VCF-style: chr1-161362357-T-C. GRCh37 (hg19) VCF-style: chr1-161332147-T-C.
Other names: c.270T>C, p.Asp90= (NM_001035511.3); c.332T>C, p.Ile111Thr (NM_001035512.3); c.275T>C, p.Ile92Thr (NM_001035513.3); c.168T>C, p.Asp56= (NM_001278172.3); c.554T>C, p.Ile185Thr (NM_001407115.1); c.377T>C, p.Ile126Thr (NM_001407116.1); c.371T>C, p.Ile124Thr (NM_001407117.1); c.326T>C, p.Ile109Thr (NM_001407118.1); and 2 more; short protein forms I145T, I111T, I92T, I124T, I126T, I108T, I185T, I109T.
Identifiers: ClinVar variation 486432 (VCV000486432.16), dbSNP rs1553266487, ClinGen allele CA343457669.